The following is an entry in ClinVar:

ClinVar aggregate classification (germline): Uncertain significance (1 of 4 stars; one submission).

Conditions:
Meckel-Gruber syndrome. Also called: DYSENCEPHALIA SPLANCHNOCYSTICA; GRUBER SYNDROME; Dysencephalia splachnocystica. Identifiers: Orphanet 564, MedGen C0265215, MONDO:0018921.
Joubert syndrome. Also called: CEREBELLOPARENCHYMAL DISORDER IV; JOUBERT-BOLTSHAUSER SYNDROME; Familial aplasia of the vermis. Identifiers: Orphanet 475, MedGen C5979921, MONDO:0018772.

gnomAD v4.1: 3 of 1,611,706 alleles (0.00019%); highest among the groups gnomAD compares: Non-Finnish European, 0.00025%; no homozygotes.

Submission:

Labcorp Genetics (formerly Invitae), Labcorp
Classification: Uncertain significance for Joubert syndrome; Meckel-Gruber syndrome. Last evaluated: 2024-10-23. Review status: criteria provided, single submitter. Criteria: Invitae Variant Classification Sherloc (09022015). Collection method: clinical testing. Allele origin: germline.
Comment: This sequence change replaces aspartic acid, which is acidic and polar, with tyrosine, which is neutral and polar, at codon 943 of the TMEM67 protein (p.Asp943Tyr). This variant is not present in population databases (gnomAD no frequency). This variant has not been reported in the literature in individuals affected with TMEM67-related conditions. ClinVar contains an entry for this variant (Variation ID: 1495609). Invitae Evidence Modeling of protein sequence and biophysical properties (such as structural, functional, and spatial information, amino acid conservation, physicochemical variation, residue mobility, and thermodynamic stability) indicates that this missense variant is expected to disrupt TMEM67 protein function with a positive predictive value of 95%. In summary, the available evidence is currently insufficient to determine the role of this variant in disease. Therefore, it has been classified as a Variant of Uncertain Significance.

NM_153704.6(TMEM67):c.2827G>T (p.Asp943Tyr)

Gene: TMEM67 (transmembrane protein 67; plus strand). Cytogenetic location: 8q22.1.
Variant type: single nucleotide variant.
Coding change: c.2827G>T on transcript NM_153704.6 (MANE Select); coding-DNA position 2827, G replaced by T.
Protein change: p.Asp943Tyr; replaces aspartic acid 943 with tyrosine.
Molecular consequence: missense variant. On other transcripts: non-coding transcript variant (1).
Genome position (GRCh38, 1-based): chr8:93,815,367, G>T. VCF-style: chr8-93815367-G-T. GRCh37 (hg19) VCF-style: chr8-94827595-G-T.
Other names: c.2584G>T, p.Asp862Tyr (NM_001142301.1); short protein forms D862Y, D943Y.
Identifiers: ClinVar variation 1495609 (VCV001495609.8), dbSNP rs2130799791, ClinGen allele CA371701127.
Genomic context (GRCh38, chr8:93,815,367, plus strand): 5'-GAAGGTTATTCTTTCAGCAGTGTCCTGTATTATGGAAATGAAGCTACTCTTCTTATTTTT[G>T]ATCTGCTGTTCTTCTGTGTTGTGGATTTGGCTTGCCAAAATTTTATTTTAGCATCCTTCC-3'
Protein context (NP_714915.3, residues 933-953): YGNEATLLIF[Asp943Tyr]LLFFCVVDLA